The following is an entry in ClinVar:

NM_001572.5(IRF7):c.1385T>C (p.Leu462Pro)

Gene: IRF7 (interferon regulatory factor 7; minus strand). Cytogenetic location: 11p15.5.
Variant type: single nucleotide variant.
Coding change: c.1385T>C on transcript NM_001572.5 (MANE Select); coding-DNA position 1385, T replaced by C.
Protein change: p.Leu462Pro; replaces leucine 462 with proline.
Molecular consequence: missense variant.
Genome position (GRCh38, 1-based): chr11:612,772, A>G on the plus strand (T>C on the coding strand, the complement: IRF7 is on the minus strand). VCF-style: chr11-612772-A-G. GRCh37 (hg19) VCF-style: chr11-612772-A-G.
Other names: c.1421T>C, p.Leu474Pro (NM_001440440.1); c.1382T>C, p.Leu461Pro (NM_001440442.1); c.1337T>C, p.Leu446Pro (NM_001440444.1); c.1295T>C, p.Leu432Pro (NM_001440445.1); c.1013T>C, p.Leu338Pro (NM_001440446.1); c.1298T>C, p.Leu433Pro (NM_004029.4); c.1424T>C, p.Leu475Pro (NM_004031.4); short protein forms L462P, L475P, L338P, L432P, L446P, L461P, L433P, L474P.
Identifiers: ClinVar variation 4755285 (VCV004755285.1).

ClinVar aggregate classification (germline): Uncertain significance (1 of 4 stars; one submission).

Conditions:
Immunodeficiency 39 (IMD39). Identifiers: Orphanet 574918, MedGen C4225358, MONDO:0014597, OMIM 616345.

gnomAD v4.1: 13 of 1,611,474 alleles (0.00081%); highest among the groups gnomAD compares: Admixed American, 0.0017%; no homozygotes.

Submission:

Labcorp Genetics (formerly Invitae), Labcorp
Classification: Uncertain significance for Immunodeficiency 39. Last evaluated: 2025-10-06. Review status: criteria provided, single submitter. Criteria: Invitae Variant Classification Sherloc (09022015). Collection method: clinical testing. Allele origin: germline.
Comment: This sequence change replaces leucine, which is neutral and non-polar, with proline, which is neutral and non-polar, at codon 475 of the IRF7 protein (p.Leu475Pro). This variant is present in population databases (rs376761232, gnomAD 0.007%). This variant has not been reported in the literature in individuals affected with IRF7-related conditions. Invitae Evidence Modeling of protein sequence and biophysical properties (such as structural, functional, and spatial information, amino acid conservation, physicochemical variation, residue mobility, and thermodynamic stability) indicates that this missense variant is expected to disrupt IRF7 protein function with a positive predictive value of 80%. In summary, the available evidence is currently insufficient to determine the role of this variant in disease. Therefore, it has been classified as a Variant of Uncertain Significance.